The following is an entry in ClinVar:

NM_031220.4(PITPNM3):c.1773+18_1773+19delinsAT

Gene: PITPNM3 (PITPNM family member 3; minus strand). Cytogenetic location: 17p13.2.
Variant type: Indel.
Coding change: c.1773+18_1773+19delinsAT on transcript NM_031220.4 (MANE Select); bases 18 to 19 of the intron after coding-DNA position 1773, GC replaced by AT.
Molecular consequence: intron variant.
Genome position (GRCh38, 1-based): chr17:6,470,241-6,470,242, GC replaced by AT on the plus strand (GC replaced by AT on the coding strand, the reverse complement: PITPNM3 is on the minus strand). VCF-style: chr17-6470241-GC-AT. GRCh37 (hg19) VCF-style: chr17-6373561-GC-AT.
Other names: c.1665+18_1665+19delinsAT (NM_001165966.2).
Identifiers: ClinVar variation 2700872 (VCV002700872.3), dbSNP rs2543995667, ClinGen allele CA2697556116.

ClinVar aggregate classification (germline): Uncertain significance (1 of 4 stars; one submission).

Submission:

Labcorp Genetics (formerly Invitae), Labcorp
Classification: Uncertain significance. Last evaluated: 2023-12-04. Review status: criteria provided, single submitter. Criteria: Invitae Variant Classification Sherloc (09022015). Collection method: clinical testing. Allele origin: germline.
Comment: This sequence change falls in intron 13 of the PITPNM3 gene. It does not directly change the encoded amino acid sequence of the PITPNM3 protein. Information on the frequency of this variant in the gnomAD database is not available, as this variant may be reported differently in the database. This variant has not been reported in the literature in individuals affected with PITPNM3-related conditions. Experimental studies and prediction algorithms are not available or were not evaluated, and the effect of this variant on mRNA splicing is currently unknown. In summary, the available evidence is currently insufficient to determine the role of this variant in disease. Therefore, it has been classified as a Variant of Uncertain Significance.